The following is an entry in ClinVar:

ClinVar aggregate classification (germline): Uncertain significance (1 of 4 stars; one submission).

Submission:

GeneDx
Classification: Uncertain significance. Last evaluated: 2019-08-06. Review status: criteria provided, single submitter. Criteria: GeneDx Variant Classification Process June 2021. Collection method: clinical testing. Allele origin: germline. Affected: yes.
Comment: Not observed in large population cohorts (Lek 2016); In silico analysis, which includes splice predictors and evolutionary conservation, supports that this variant does not alter protein structure/function; Has not been previously published as pathogenic or benign to our knowledge

NM_002691.4(POLD1):c.2872C>T (p.Leu958=)

Gene: POLD1 (DNA polymerase delta 1, catalytic subunit; plus strand). Cytogenetic location: 19q13.33.
Variant type: single nucleotide variant.
Coding change: c.2872C>T on transcript NM_002691.4 (MANE Select); coding-DNA position 2872, C replaced by T.
Protein change: p.Leu958=; no amino-acid change (leucine 958 retained).
Molecular consequence: synonymous variant. On other transcripts: non-coding transcript variant (1).
Genome position (GRCh38, 1-based): chr19:50,416,447, C>T. VCF-style: chr19-50416447-C-T. GRCh37 (hg19) VCF-style: chr19-50919704-C-T.
Other names: c.2872C>T, p.Leu958= (NM_001256849.1); c.2950C>T, p.Leu984= (NM_001308632.1).
Identifiers: ClinVar variation 1307696 (VCV001307696.2), dbSNP rs2122490832, ClinGen allele CA508305320.